The following is an entry in ClinVar:

ClinVar aggregate classification (germline): Uncertain significance (1 of 4 stars; one submission).

Allele frequency attached by ClinVar (database versions not stated): TOPMed below 0.00001; ExAC 0.00001.
gnomAD v4.1: 7 of 1,614,082 alleles (0.00043%); highest among the groups gnomAD compares: South Asian, 0.0022%; no homozygotes.

Submission:

Labcorp Genetics (formerly Invitae), Labcorp
Classification: Uncertain significance. Last evaluated: 2022-09-13. Review status: criteria provided, single submitter. Criteria: Invitae Variant Classification Sherloc (09022015). Collection method: clinical testing. Allele origin: germline.
Comment: In summary, the available evidence is currently insufficient to determine the role of this variant in disease. Therefore, it has been classified as a Variant of Uncertain Significance. Advanced modeling of protein sequence and biophysical properties (such as structural, functional, and spatial information, amino acid conservation, physicochemical variation, residue mobility, and thermodynamic stability) performed at Invitae indicates that this missense variant is expected to disrupt CNNM4 protein function. This variant has not been reported in the literature in individuals affected with CNNM4-related conditions. This variant is present in population databases (rs767254813, gnomAD 0.003%). This sequence change replaces arginine, which is basic and polar, with cysteine, which is neutral and slightly polar, at codon 556 of the CNNM4 protein (p.Arg556Cys).

NM_020184.4(CNNM4):c.1666C>T (p.Arg556Cys)

Gene: CNNM4 (cyclin and CBS domain divalent metal cation transport mediator 4; plus strand). Cytogenetic location: 2q11.2.
Variant type: single nucleotide variant.
Coding change: c.1666C>T on transcript NM_020184.4 (MANE Select); coding-DNA position 1666, C replaced by T.
Protein change: p.Arg556Cys; replaces arginine 556 with cysteine.
Molecular consequence: missense variant.
Genome position (GRCh38, 1-based): chr2:96,797,632, C>T. VCF-style: chr2-96797632-C-T. GRCh37 (hg19) VCF-style: chr2-97463369-C-T.
Other names: short protein forms R556C.
Identifiers: ClinVar variation 1971149 (VCV001971149.5), dbSNP rs767254813, ClinGen allele CA1783421.